The following is an entry in ClinVar:

ClinVar aggregate classification (germline): Pathogenic (1 of 4 stars; one submission).

Conditions:
Immunodeficiency 104. Also called: Severe combined immunodeficiency, autosomal recessive, T cell-negative, B cell-positive, NK cell-positive; SCID, AUTOSOMAL RECESSIVE, T CELL-NEGATIVE, B CELL-POSITIVE, NK CELL-POSITIVE; IMMUNODEFICIENCY 104, SEVERE COMBINED; Severe Combined Immune Deficiency, Autosomal Recessive, TCell -Negative, B Cell-Positive, NK Cell-Positive, IL7R-Related. Identifiers: MedGen C5676890, MONDO:0012163, OMIM 608971.

Submission:

Labcorp Genetics (formerly Invitae), Labcorp
Classification: Pathogenic for Immunodeficiency 104. Last evaluated: 2023-05-12. Review status: criteria provided, single submitter. Criteria: Invitae Variant Classification Sherloc (09022015). Collection method: clinical testing. Allele origin: germline.
Comment: This variant has not been reported in the literature in individuals affected with PTPRC-related conditions. This sequence change creates a premature translational stop signal (p.Pro87Argfs*80) in the PTPRC gene. It is expected to result in an absent or disrupted protein product. Loss-of-function variants in PTPRC are known to be pathogenic (PMID: 10700239). This variant is not present in population databases (gnomAD no frequency). For these reasons, this variant has been classified as Pathogenic.

Literature cited by the submitters: PubMed 10700239.

NM_002838.5(PTPRC):c.260del (p.Pro87fs)

Gene: PTPRC (protein tyrosine phosphatase receptor type C; plus strand). Cytogenetic location: 1q31.3.
Variant type: Deletion.
Coding change: c.260del on transcript NM_002838.5 (MANE Select); coding-DNA position 260, one base deleted (C; older notation c.260delC).
Protein change: p.Pro87fs; shifts the reading frame from proline 87.
Molecular consequence: frameshift variant. On other transcripts: intron variant (1).
Genome position (GRCh38, 1-based): chr1:198,696,871, C deleted; the last of 4 consecutive C bases (chr1:198,696,868-198,696,871); deleting any one gives the same sequence. VCF-style (leftmost placement, unchanged base first): chr1-198696867-TC-T. GRCh37 (hg19) VCF-style: chr1-198665996-TC-T.
Other names: c.100+4498del (NM_080921.4); short protein forms P87fs.
Identifiers: ClinVar variation 2868091 (VCV002868091.3), dbSNP rs1666230230, ClinGen allele CA1010997364.